The following is an entry in ClinVar:

NM_006946.4(SPTBN2):c.6265A>T (p.Arg2089Trp)

Gene: SPTBN2 (spectrin beta, non-erythrocytic 2; minus strand). Cytogenetic location: 11q13.2.
Variant type: single nucleotide variant.
Coding change: c.6265A>T on transcript NM_006946.4 (MANE Select); coding-DNA position 6265, A replaced by T.
Protein change: p.Arg2089Trp; replaces arginine 2089 with tryptophan.
Molecular consequence: missense variant.
Genome position (GRCh38, 1-based): chr11:66,688,278, T>A on the plus strand (A>T on the coding strand, the complement: SPTBN2 is on the minus strand). VCF-style: chr11-66688278-T-A. GRCh37 (hg19) VCF-style: chr11-66455749-T-A.
Other names: short protein forms R2089W.
Identifiers: ClinVar variation 448519 (VCV000448519.7), dbSNP rs890981545, ClinGen allele CA224075576.

ClinVar aggregate classification (germline): Conflicting classifications of pathogenicity. Review status: criteria provided, conflicting classifications (1 of 4 stars). 2 submissions from 2 submitters: Uncertain significance (1); Likely benign (1). Last evaluated 2025-01-08.

Allele frequency attached by ClinVar (database versions not stated): gnomAD exomes below 0.00001; TOPMed below 0.00001; gnomAD 0.00001.
gnomAD v4.1: 6 of 1,609,686 alleles (0.00037%); highest among the groups gnomAD compares: African/African-American, 0.0027%; no homozygotes.

Submissions (2):

Athena Diagnostics
Classification: Uncertain significance. Last evaluated: 2025-01-08. Review status: criteria provided, single submitter. Criteria: Athena Diagnostics Criteria. Collection method: clinical testing. Allele origin: unknown.
Comment: Available data are insufficient to determine the clinical significance of the variant at this time. The frequency of this variant in the general population is uninformative in assessment of its pathogenicity. Polyphen and MutationTaster yielded discordant predictions regarding whether this amino acid change is damaging to the protein.

Labcorp Genetics (formerly Invitae), Labcorp
Classification: Likely benign. Last evaluated: 2022-08-10. Review status: criteria provided, single submitter. Criteria: Invitae Variant Classification Sherloc (09022015). Collection method: clinical testing. Allele origin: germline.